The following is an entry in ClinVar:

ClinVar aggregate classification (germline): Benign. Review status: criteria provided, multiple submitters, no conflicts (2 of 4 stars). 5 submissions from 5 submitters: Benign (5). Last evaluated 2026-02-04.

Conditions:
Vici syndrome (VICIS). Identifiers: Orphanet 1493, MedGen C1855772, MONDO:0009452, OMIM 242840.

Allele frequency attached by ClinVar (database versions not stated): gnomAD exomes 0.08236 and 0.08449; ExAC 0.08737; 1000 Genomes Project 0.11262; 1000 Genomes Project 30x 0.11587; gnomAD 0.11628 and 0.11994; ESP Exome Variant Server 0.12149; TOPMed 0.12302.
gnomAD v4.1: 138,321 of 1,614,110 alleles (8.6%); highest among the groups gnomAD compares: African/African-American, 22%; 7,085 homozygotes.

Submissions (5):

Labcorp Genetics (formerly Invitae), Labcorp
Classification: Benign for Vici syndrome. Last evaluated: 2026-02-04. Review status: criteria provided, single submitter. Criteria: Invitae Variant Classification Sherloc (09022015). Collection method: clinical testing. Allele origin: germline.

Blueprint Genetics
Classification: Benign. Last evaluated: 2024-11-28. Review status: criteria provided, single submitter. Criteria: ACMG Guidelines, 2015. Collection method: clinical testing. Allele origin: germline.

GeneDx
Classification: Benign. Last evaluated: 2018-03-24. Review status: criteria provided, single submitter. Criteria: GeneDx Variant Classification (06012015). Collection method: clinical testing. Allele origin: germline. Affected: yes.
Comment: This variant is considered likely benign or benign based on one or more of the following criteria: it is a conservative change, it occurs at a poorly conserved position in the protein, it is predicted to be benign by multiple in silico algorithms, and/or has population frequency not consistent with disease.

Laboratory for Molecular Medicine, Mass General Brigham Personalized Medicine
Classification: Benign. Last evaluated: 2016-03-29. Review status: criteria provided, single submitter. Criteria: LMM Criteria. Collection method: clinical testing. Allele origin: germline.
Comment: Variant identified in a genome or exome case(s) and assessed due to predicted null impact of the variant or pathogenic assertions in the literature or databases. Disclaimer: This variant has not undergone full assessment. The following are preliminary notes: MAF

Breakthrough Genomics
Classification: Benign. Review status: criteria provided, single submitter. Criteria: ACMG Guidelines, 2015. Collection method: not provided. Allele origin: germline. Inheritance: Autosomal recessive inheritance. Affected: yes.

NM_020964.3(EPG5):c.544A>G (p.Lys182Glu)

Gene: EPG5 (ectopic P-granules 5 autophagy tethering factor; minus strand). Cytogenetic location: 18q21.1.
Variant type: single nucleotide variant.
Coding change: c.544A>G on transcript NM_020964.3 (MANE Select); coding-DNA position 544, A replaced by G.
Protein change: p.Lys182Glu; replaces lysine 182 with glutamic acid.
Molecular consequence: missense variant.
Genome position (GRCh38, 1-based): chr18:45,954,858, T>C on the plus strand (A>G on the coding strand, the complement: EPG5 is on the minus strand). VCF-style: chr18-45954858-T-C. GRCh37 (hg19) VCF-style: chr18-43534824-T-C.
Other names: short protein forms K182E.
Identifiers: ClinVar variation 402834 (VCV000402834.17), dbSNP rs59422275, ClinGen allele CA8949930.
Genomic context (GRCh38, chr18:45,954,858, plus strand): 5'-GGCAAGAACTCTGCAAGCCAACATTCTGTGGCACCTCTGAAGAACAAACCAGGCCTTGTT[T>C]GTCTTCTTTACTATTCTGAGTTTCTCTGACTTGTATATTTTCCATTGCTGGCTGAGTATA-3'
Protein context (NP_066015.2, residues 172-192): VRETQNSKED[Lys182Glu]QGLVCSSEVP